The following is an entry in ClinVar:

NM_199242.3(UNC13D):c.49C>T (p.Gln17Ter)

Gene: UNC13D (unc-13 homolog D; minus strand). Cytogenetic location: 17q25.1.
Variant type: single nucleotide variant.
Coding change: c.49C>T on transcript NM_199242.3 (MANE Select); coding-DNA position 49, C replaced by T.
Protein change: p.Gln17Ter; replaces glutamine 17 with a stop codon.
Molecular consequence: nonsense.
Genome position (GRCh38, 1-based): chr17:75,844,289, G>A on the plus strand (C>T on the coding strand, the complement: UNC13D is on the minus strand). VCF-style: chr17-75844289-G-A. GRCh37 (hg19) VCF-style: chr17-73840370-G-A.
Other names: short protein forms Q17*.
Identifiers: ClinVar variation 972587 (VCV000972587.7), dbSNP rs2064970978, ClinGen allele CA401120370.
Genomic context (GRCh38, chr17:75,844,289, plus strand): 5'-CCATTTGGGGCGGGGGATCCTGTAGATCTCTGACTCTGCGGCGCCTTATCTTGATGGCCT[G>A]GCGCAAGAAGGGAGGGCGCTGCTGCGGATGGGAGAGGAGTGTCGCCATGGTGGCCTTCTC-3'

ClinVar aggregate classification (germline): Pathogenic (1 of 4 stars; one submission).

Conditions:
Familial hemophagocytic lymphohistiocytosis 3 (FHL3). Also called: UNC13D-Related Familial Hemophagocytic Lymphohistiocytosis (UNC13D-fHLH). Identifiers: Orphanet 540, MedGen C1837174, MONDO:0012146, OMIM 608898.

Submission:

Labcorp Genetics (formerly Invitae), Labcorp
Classification: Pathogenic for Familial hemophagocytic lymphohistiocytosis 3. Last evaluated: 2019-11-10. Review status: criteria provided, single submitter. Criteria: Invitae Variant Classification Sherloc (09022015). Collection method: clinical testing. Allele origin: germline.
Comment: For these reasons, this variant has been classified as Pathogenic. Loss-of-function variants in UNC13D are known to be pathogenic (PMID: 14622600). This variant has not been reported in the literature in individuals with UNC13D-related conditions. This variant is not present in population databases (ExAC no frequency). This sequence change creates a premature translational stop signal (p.Gln17*) in the UNC13D gene. It is expected to result in an absent or disrupted protein product.

Literature cited by the submitters: PubMed 14622600.